The following is an entry in ClinVar:

NM_001348323.3(TRIP12):c.3198C>T (p.Ser1066=)

Gene: TRIP12 (thyroid hormone receptor interactor 12; minus strand). Cytogenetic location: 2q36.3.
Variant type: single nucleotide variant.
Coding change: c.3198C>T on transcript NM_001348323.3 (MANE Select); coding-DNA position 3198, C replaced by T.
Protein change: p.Ser1066=; no amino-acid change (serine 1066 retained).
Molecular consequence: synonymous variant.
Genome position (GRCh38, 1-based): chr2:229,802,260, G>A on the plus strand (C>T on the coding strand, the complement: TRIP12 is on the minus strand). VCF-style: chr2-229802260-G-A. GRCh37 (hg19) VCF-style: chr2-230666976-G-A.
Other names: c.3117C>T, p.Ser1039= (NM_001284214.2, NM_001348315.2); c.3072C>T, p.Ser1024= (NM_001284215.2, NM_001348316.2, NM_001348317.1 and 1 more transcripts); c.2163C>T, p.Ser721= (NM_001284216.2); c.3198C>T, p.Ser1066= (NM_001348319.1, NM_001348320.2, NM_001348322.1 and 4 more transcripts); c.3201C>T, p.Ser1067= (NM_001348321.1, NM_001348328.1, NM_001348329.2 and 1 more transcripts); c.2991C>T, p.Ser997= (NM_001348331.1); c.3111C>T, p.Ser1037= (NM_001348332.1); c.3120C>T, p.Ser1040= (NM_001348333.1); and 1 more.
Identifiers: ClinVar variation 4875276 (VCV004875276.2).

ClinVar aggregate classification (germline): Likely benign (1 of 4 stars; one submission).

gnomAD v4.1: 15 of 1,595,730 alleles (0.00094%); highest among the groups gnomAD compares: Admixed American, 0.022%; no homozygotes.

Submission:

CeGaT Center for Human Genetics Tuebingen
Classification: Likely benign. Last evaluated: 2026-06-01. Review status: criteria provided, single submitter. Criteria: CeGaT Center For Human Genetics Tuebingen Variant Classification Criteria Version 2. Collection method: clinical testing. Allele origin: germline. Affected: yes. Observed: 1 variant allele.
Comment: TRIP12: BP4, BP7